The following is an entry in ClinVar:

NM_017654.4(SAMD9):c.3473A>G (p.His1158Arg)

Gene: SAMD9 (sterile alpha motif domain containing 9; minus strand). Cytogenetic location: 7q21.2.
Variant type: single nucleotide variant.
Coding change: c.3473A>G on transcript NM_017654.4 (MANE Select); coding-DNA position 3473, A replaced by G.
Protein change: p.His1158Arg; replaces histidine 1158 with arginine.
Molecular consequence: missense variant.
Genome position (GRCh38, 1-based): chr7:93,102,625, T>C on the plus strand (A>G on the coding strand, the complement: SAMD9 is on the minus strand). VCF-style: chr7-93102625-T-C. GRCh37 (hg19) VCF-style: chr7-92731938-T-C.
Other names: c.3473A>G, p.His1158Arg (NM_001193307.2); c.3473A>G (NM_017654.3); short protein forms H1158R.
Identifiers: ClinVar variation 3675678 (VCV003675678.3).

ClinVar aggregate classification (germline): Uncertain significance. Review status: criteria provided, multiple submitters, no conflicts (2 of 4 stars). 2 submissions from 2 submitters: Uncertain significance (2). Last evaluated 2026-08-10.

Conditions:
Inborn genetic diseases. Identifiers: MedGen C0950123, MeSH D030342.

gnomAD v4.1: 9 of 1,613,906 alleles (0.00056%); highest among the groups gnomAD compares: Non-Finnish European, 0.00076%; no homozygotes.

Submissions (2):

Ambry Genetics
Classification: Uncertain significance for Inborn genetic diseases. Last evaluated: 2026-08-10. Review status: criteria provided, single submitter. Criteria: Ambry Variant Classification Scheme 2023. Collection method: clinical testing. Allele origin: germline.
Comment: The p.H1158R variant (also known as c.3473A>G), located in coding exon 1 of the SAMD9 gene, results from an A to G substitution at nucleotide position 3473. The histidine at codon 1158 is replaced by arginine, an amino acid with highly similar properties. This amino acid position is conserved. In addition, this alteration is predicted to be tolerated by in silico analysis. Based on the available evidence, the clinical significance of this variant remains unclear.

Labcorp Genetics (formerly Invitae), Labcorp
Classification: Uncertain significance. Last evaluated: 2024-08-28. Review status: criteria provided, single submitter. Criteria: Invitae Variant Classification Sherloc (09022015). Collection method: clinical testing. Allele origin: germline.
Comment: This sequence change replaces histidine, which is basic and polar, with arginine, which is basic and polar, at codon 1158 of the SAMD9 protein (p.His1158Arg). This variant is not present in population databases (gnomAD no frequency). This variant has not been reported in the literature in individuals affected with SAMD9-related conditions. Invitae Evidence Modeling of protein sequence and biophysical properties (such as structural, functional, and spatial information, amino acid conservation, physicochemical variation, residue mobility, and thermodynamic stability) indicates that this missense variant is not expected to disrupt SAMD9 protein function with a negative predictive value of 95%. In summary, the available evidence is currently insufficient to determine the role of this variant in disease. Therefore, it has been classified as a Variant of Uncertain Significance.